The following is an entry in ClinVar:

ClinVar aggregate classification (germline): Uncertain significance (1 of 4 stars; one submission).

Submission:

Labcorp Genetics (formerly Invitae), Labcorp
Classification: Uncertain significance. Last evaluated: 2021-11-05. Review status: criteria provided, single submitter. Criteria: Invitae Variant Classification Sherloc (09022015). Collection method: clinical testing. Allele origin: germline.
Comment: This sequence change creates a premature translational stop signal (p.Ile331Serfs*28) in the COX15 gene. While this is not anticipated to result in nonsense mediated decay, it is expected to disrupt the last 58 amino acid(s) of the COX15 protein. This variant is not present in population databases (gnomAD no frequency). This variant has not been reported in the literature in individuals affected with COX15-related conditions. This variant disrupts a region of the COX15 protein in which other variant(s) (p.Ser344Pro) have been observed in individuals with COX15-related conditions (PMID: 15863660). This suggests that this is a clinically significant region of the protein, and that variants that disrupt it are likely to be disease-causing. In summary, the available evidence is currently insufficient to determine the role of this variant in disease. Therefore, it has been classified as a Variant of Uncertain Significance.

Literature cited by the submitters: PubMed 15863660.

NM_078470.6(COX15):c.991del (p.Ile331fs)

Gene: COX15 (cytochrome c oxidase assembly factor COX15; minus strand). Cytogenetic location: 10q24.2.
Variant type: Deletion.
Coding change: c.991del on transcript NM_078470.6 (MANE Select); coding-DNA position 991, one base deleted (A; older notation c.991delA).
Protein change: p.Ile331fs; shifts the reading frame from isoleucine 331.
Molecular consequence: frameshift variant. On other transcripts: non-coding transcript variant (1).
Genome position (GRCh38, 1-based): chr10:99,716,458, T deleted on the plus strand (A on the coding strand, the reverse complement: COX15 is on the minus strand); the first of 2 consecutive T bases (chr10:99,716,458-99,716,459); deleting either gives the same sequence. VCF-style (leftmost placement, unchanged base first): chr10-99716457-AT-A. GRCh37 (hg19) VCF-style: chr10-101476214-AT-A.
Other names: c.991del, p.Ile331fs (NM_001320974.2, NM_001372024.1, NM_001372027.1 and 1 more transcripts); c.836del, p.Asn279fs (NM_001320975.2, NM_001372028.1); c.454del, p.Ile152fs (NM_001320976.2); c.1009del, p.Ile337fs (NM_001372025.1); c.964del, p.Ile322fs (NM_001372026.1); short protein forms I152fs, I322fs, I337fs, I331fs, N279fs.
Identifiers: ClinVar variation 1500171 (VCV001500171.6), dbSNP rs2133576711, ClinGen allele CA2573145928.